The following is an entry in ClinVar:

NM_001198.4(PRDM1):c.281del (p.Asn94fs)

Gene: PRDM1 (PR/SET domain 1; plus strand). Cytogenetic location: 6q21.
Variant type: Deletion.
Coding change: c.281del on transcript NM_001198.4 (MANE Select); coding-DNA position 281, one base deleted (A; older notation c.281delA).
Protein change: p.Asn94fs; shifts the reading frame from asparagine 94.
Molecular consequence: frameshift variant.
Genome position (GRCh38, 1-based): chr6:106,088,439, A deleted; the last of 2 consecutive A bases (chr6:106,088,438-106,088,439); deleting either gives the same sequence. VCF-style (leftmost placement, unchanged base first): chr6-106088437-CA-C. GRCh37 (hg19) VCF-style: chr6-106536312-CA-C.
Other names: short protein forms N94fs.
Identifiers: ClinVar variation 666912 (VCV000666912.5), dbSNP rs1582460592, ClinGen allele CA915942763.

ClinVar aggregate classification (germline): Uncertain significance (1 of 4 stars; one submission).

Submission:

Laboratory for Molecular Medicine, Mass General Brigham Personalized Medicine
Classification: Uncertain significance. Last evaluated: 2019-02-19. Review status: criteria provided, single submitter. Criteria: LMM Criteria. Collection method: clinical testing. Allele origin: germline. Observed: 1 variant allele.
Comment: The p.Asn94ThrfsX8 variant in PRDM1 has not been previously reported in the literature and was absent from large population studies. This variant is predicted to cause a frameshift, which alters the proteinâ€™s amino acid sequence beginning at position 94 and leads to a premature termination codon 8 amino acids downstream. This alteration is then predicted to lead to a truncated or absent protein. It should be noted that the p.Asn94ThrfsX8 variant falls within an alternatively spliced exon of the PRDM1 gene and is not expected to truncate all PRDM1 isoforms (GTEx). Although the most highly expressed transcript does contain this exon, at this time there is insufficient data to determine which PRDM1 isoforms are biologically relevant. Finally, although the PRDM1 gene does not have an established role in human disease, it is constrained for loss-of-function variation, suggesting that disruption of the gene may be associated to a disease phenotype; however, gene constraint does not assess individual exons to implicate specific transcripts. In summary, the clinical significance of the p.Asn94ThrfsX8 variant is uncertain.